The following is an entry in ClinVar:

NM_001605.3(AARS1):c.1828A>G (p.Ile610Val)

Gene: AARS1 (alanyl-tRNA synthetase 1; minus strand). Cytogenetic location: 16q22.1.
Variant type: single nucleotide variant.
Coding change: c.1828A>G on transcript NM_001605.3 (MANE Select); coding-DNA position 1828, A replaced by G.
Protein change: p.Ile610Val; replaces isoleucine 610 with valine.
Molecular consequence: missense variant.
Genome position (GRCh38, 1-based): chr16:70,259,144, T>C on the plus strand (A>G on the coding strand, the complement: AARS1 is on the minus strand). VCF-style: chr16-70259144-T-C. GRCh37 (hg19) VCF-style: chr16-70293047-T-C.
Other names: short protein forms I610V.
Identifiers: ClinVar variation 2129416 (VCV002129416.4), dbSNP rs2506998091, ClinGen allele CA396558296.

ClinVar aggregate classification (germline): Uncertain significance (1 of 4 stars; one submission).

Conditions:
Charcot-Marie-Tooth disease type 2. Also called: Charcot-Marie-Tooth type 2. Identifiers: Orphanet 64746, MedGen C0270914, MONDO:0018993.

Submission:

Labcorp Genetics (formerly Invitae), Labcorp
Classification: Uncertain significance for Charcot-Marie-Tooth disease type 2. Last evaluated: 2022-04-22. Review status: criteria provided, single submitter. Criteria: Invitae Variant Classification Sherloc (09022015). Collection method: clinical testing. Allele origin: germline.
Comment: This sequence change replaces isoleucine, which is neutral and non-polar, with valine, which is neutral and non-polar, at codon 610 of the AARS protein (p.Ile610Val). This variant is not present in population databases (gnomAD no frequency). This variant has not been reported in the literature in individuals affected with AARS-related conditions. Algorithms developed to predict the effect of missense changes on protein structure and function (SIFT, PolyPhen-2, Align-GVGD) all suggest that this variant is likely to be tolerated. In summary, the available evidence is currently insufficient to determine the role of this variant in disease. Therefore, it has been classified as a Variant of Uncertain Significance.